The following is an entry in ClinVar:

ClinVar aggregate classification (germline): Uncertain significance (1 of 4 stars; one submission).

Conditions:
Distal myopathy with posterior leg and anterior hand involvement. Also called: WILLIAMS DISTAL MYOPATHY. Identifiers: Orphanet 63273, MedGen C3279722, MONDO:0013550, OMIM 614065.
Dilated Cardiomyopathy, Dominant.
Myofibrillar myopathy 5. Also called: Filaminopathy (type); FILAMINOPATHY, AUTOSOMAL DOMINANT. Identifiers: Orphanet 171445, MedGen C1836050, MONDO:0012289, OMIM 609524.
Hypertrophic cardiomyopathy 26. Also called: Cardiomyopathy, familial hypertrophic, 26. Identifiers: Orphanet 75249, MedGen C4310749, MONDO:0014883, OMIM 617047.

Submission:

Labcorp Genetics (formerly Invitae), Labcorp
Classification: Uncertain significance for Distal myopathy with posterior leg and anterior hand involvement; Myofibrillar myopathy 5; Hypertrophic cardiomyopathy 26. Last evaluated: 2021-09-02. Review status: criteria provided, single submitter. Criteria: Invitae Variant Classification Sherloc (09022015). Collection method: clinical testing. Allele origin: germline.
Comment: This sequence change replaces asparagine with serine at codon 1369 of the FLNC protein (p.Asn1369Ser). The asparagine residue is highly conserved and there is a small physicochemical difference between asparagine and serine. This variant is not present in population databases (ExAC no frequency). This variant has not been reported in the literature in individuals affected with FLNC-related conditions. Algorithms developed to predict the effect of missense changes on protein structure and function are either unavailable or do not agree on the potential impact of this missense change (SIFT: "Tolerated"; PolyPhen-2: "Possibly Damaging"; Align-GVGD: "Class C0"). In summary, the available evidence is currently insufficient to determine the role of this variant in disease. Therefore, it has been classified as a Variant of Uncertain Significance.

NM_001458.5(FLNC):c.4106A>G (p.Asn1369Ser)

Gene: FLNC (filamin C; plus strand). Cytogenetic location: 7q32.1.
Variant type: single nucleotide variant.
Coding change: c.4106A>G on transcript NM_001458.5 (MANE Select); coding-DNA position 4106, A replaced by G.
Protein change: p.Asn1369Ser; replaces asparagine 1369 with serine.
Molecular consequence: missense variant.
Genome position (GRCh38, 1-based): chr7:128,846,442, A>G. VCF-style: chr7-128846442-A-G. GRCh37 (hg19) VCF-style: chr7-128486496-A-G.
Other names: c.4106A>G, p.Asn1369Ser (NM_001127487.2); short protein forms N1369S.
Identifiers: ClinVar variation 472061 (VCV000472061.6), dbSNP rs1554399615, ClinGen allele CA369199125.